The following is an entry in ClinVar:

ClinVar aggregate classification (germline): Uncertain significance (1 of 4 stars; one submission).

Conditions:
Spondyloepiphyseal dysplasia with congenital joint dislocations (SEDCJD). Also called: Chondrodysplasia with Congenital Joint Dislocations, CHST3-Related. Identifiers: Orphanet 263463, MedGen C1837657, MONDO:0007738, OMIM 143095.

Allele frequency attached by ClinVar (database versions not stated): gnomAD 0.00001; TOPMed 0.00002; gnomAD exomes below 0.00001.
gnomAD v4.1: 2 of 1,607,224 alleles (0.00012%); highest among the groups gnomAD compares: African/African-American, 0.0027%; no homozygotes.

Submission:

Labcorp Genetics (formerly Invitae), Labcorp
Classification: Uncertain significance for Spondyloepiphyseal dysplasia with congenital joint dislocations. Last evaluated: 2021-07-21. Review status: criteria provided, single submitter. Criteria: Invitae Variant Classification Sherloc (09022015). Collection method: clinical testing. Allele origin: germline.
Comment: In summary, the available evidence is currently insufficient to determine the role of this variant in disease. Therefore, it has been classified as a Variant of Uncertain Significance. This variant disrupts the p.Arg222 amino acid residue in CHST3. Other variant(s) that disrupt this residue have been observed in individuals with CHST3-related conditions (PMID: 18513679, 29620724), which suggests that this may be a clinically significant amino acid residue. Algorithms developed to predict the effect of sequence changes on RNA splicing suggest that this variant may create or strengthen a splice site. Algorithms developed to predict the effect of missense changes on protein structure and function are either unavailable or do not agree on the potential impact of this missense change (SIFT: "Tolerated"; PolyPhen-2: "Probably Damaging"; Align-GVGD: "Class C0"). This variant has not been reported in the literature in individuals affected with CHST3-related conditions. This variant is not present in population databases (ExAC no frequency). This sequence change replaces arginine with glutamine at codon 222 of the CHST3 protein (p.Arg222Gln). The arginine residue is highly conserved and there is a small physicochemical difference between arginine and glutamine.

Literature cited by the submitters: PubMed 18513679; PubMed 29620724.

NM_004273.5(CHST3):c.665G>A (p.Arg222Gln)

Gene: CHST3 (carbohydrate sulfotransferase 3; plus strand). Cytogenetic location: 10q22.1.
Variant type: single nucleotide variant.
Coding change: c.665G>A on transcript NM_004273.5 (MANE Select); coding-DNA position 665, G replaced by A.
Protein change: p.Arg222Gln; replaces arginine 222 with glutamine.
Molecular consequence: missense variant.
Genome position (GRCh38, 1-based): chr10:72,007,696, G>A. VCF-style: chr10-72007696-G-A. GRCh37 (hg19) VCF-style: chr10-73767454-G-A.
Other names: short protein forms R222Q.
Identifiers: ClinVar variation 1501813 (VCV001501813.8), dbSNP rs1437776489, ClinGen allele CA377145682.
Genomic context (GRCh38, chr10:72,007,696, plus strand): 5'-TGCTGGAGCACTTCATCACGCCGCTGCCCGAGGACCACCTGACTCAGTTCATGTTCCGCC[G>A]GGGCTCCAGCCGCTCCCTGTGCGAGGACCCCGTCTGTACGCCCTTCGTCAAGAAGGTCTT-3'
Protein context (NP_004264.2, residues 212-232): EDHLTQFMFR[Arg222Gln]GSSRSLCEDP